The following is an entry in ClinVar:

ClinVar aggregate classification (germline): Uncertain significance (1 of 4 stars; one submission).

Conditions:
Familial cancer of breast. Also called: hereditary breast carcinoma; Hereditary breast cancer; BREAST CANCER, FAMILIAL. Identifiers: Orphanet 227535, MedGen C0346153, MONDO:0016419, OMIM 114480. Disease mechanism: loss of function.

Submission:

Labcorp Genetics (formerly Invitae), Labcorp
Classification: Uncertain significance for Familial cancer of breast. Last evaluated: 2023-05-03. Review status: criteria provided, single submitter. Criteria: Invitae Variant Classification Sherloc (09022015). Collection method: clinical testing. Allele origin: germline.
Comment: In summary, the available evidence is currently insufficient to determine the role of this variant in disease. Therefore, it has been classified as a Variant of Uncertain Significance. An algorithm developed to predict the effect of missense changes on protein structure and function (PolyPhen-2) suggests that this variant is likely to be disruptive. This variant has not been reported in the literature in individuals affected with BARD1-related conditions. This variant is not present in population databases (gnomAD no frequency). This sequence change replaces lysine, which is basic and polar, with threonine, which is neutral and polar, at codon 754 of the BARD1 protein (p.Lys754Thr).

NM_000465.4(BARD1):c.2261A>C (p.Lys754Thr)

Gene: BARD1 (BRCA1 associated RING domain 1; minus strand). Cytogenetic location: 2q35.
Variant type: single nucleotide variant.
Coding change: c.2261A>C on transcript NM_000465.4 (MANE Select); coding-DNA position 2261, A replaced by C.
Protein change: p.Lys754Thr; replaces lysine 754 with threonine.
Molecular consequence: missense variant. On other transcripts: non-coding transcript variant (3).
Genome position (GRCh38, 1-based): chr2:214,728,749, T>G on the plus strand (A>C on the coding strand, the complement: BARD1 is on the minus strand). VCF-style: chr2-214728749-T-G. GRCh37 (hg19) VCF-style: chr2-215593473-T-G.
Other names: c.2204A>C, p.Lys735Thr (NM_001282543.2); c.908A>C, p.Lys303Thr (NM_001282545.2); c.851A>C, p.Lys284Thr (NM_001282548.2); c.722A>C, p.Lys241Thr (NM_001282549.2); short protein forms K735T, K284T, K303T, K241T, K754T.
Identifiers: ClinVar variation 2861853 (VCV002861853.3), dbSNP rs2469268066, ClinGen allele CA350449972.